The following is an entry in ClinVar:

NM_002335.4(LRP5):c.1708C>T (p.Arg570Trp)

Gene: LRP5 (LDL receptor related protein 5; plus strand). Cytogenetic location: 11q13.2.
Variant type: single nucleotide variant.
Coding change: c.1708C>T on transcript NM_002335.4 (MANE Select); coding-DNA position 1708, C replaced by T.
Protein change: p.Arg570Trp; replaces arginine 570 with tryptophan.
Molecular consequence: missense variant. On other transcripts: 5 prime UTR variant (1).
Genome position (GRCh38, 1-based): chr11:68,403,606, C>T. VCF-style: chr11-68403606-C-T. GRCh37 (hg19) VCF-style: chr11-68171074-C-T.
Other names: c.-230C>T (NM_001291902.2); short protein forms R570W.
Identifiers: ClinVar variation 6275 (VCV000006275.9), dbSNP rs121908665, ClinGen allele CA118090.

ClinVar aggregate classification (germline): Conflicting classifications of pathogenicity. Review status: criteria provided, conflicting classifications (1 of 4 stars). 3 submissions from 3 submitters: Pathogenic (1); Uncertain significance (1). 1 of the submissions does not count toward it. Last evaluated 2025-01-14.

Conditions:
Osteogenesis imperfecta (OI). Identifiers: Orphanet 666, MedGen C0029434, MeSH D010013, MONDO:0019019.
Osteoporosis with pseudoglioma (OPPG). Also called: osteoporosis-pseudoglioma syndrome. Identifiers: Orphanet 2788, MedGen C0432252, MONDO:0009820, OMIM 259770.

Allele frequency attached by ClinVar (database versions not stated): gnomAD exomes below 0.00001; TOPMed below 0.00001.
gnomAD v4.1: 5 of 1,614,148 alleles (0.00031%); highest among the groups gnomAD compares: Non-Finnish European, 0.00034%; no homozygotes.

Submissions (3):

Labcorp Genetics (formerly Invitae), Labcorp
Classification: Pathogenic. Last evaluated: 2025-01-14. Review status: criteria provided, single submitter. Criteria: Invitae Variant Classification Sherloc (09022015). Collection method: clinical testing. Allele origin: germline.
Comment: This sequence change replaces arginine, which is basic and polar, with tryptophan, which is neutral and slightly polar, at codon 570 of the LRP5 protein (p.Arg570Trp). This variant is not present in population databases (gnomAD no frequency). This missense change has been observed in individuals with osteoporosis-pseudoglioma syndrome or familial exudative vitreoretinopathy (PMID: 11719191, 16252235, 30452590, 30894705). ClinVar contains an entry for this variant (Variation ID: 6275). Invitae Evidence Modeling of protein sequence and biophysical properties (such as structural, functional, and spatial information, amino acid conservation, physicochemical variation, residue mobility, and thermodynamic stability) has been performed for this missense variant. However, the output from this modeling did not meet the statistical confidence thresholds required to predict the impact of this variant on LRP5 protein function. Experimental studies have shown that this missense change affects LRP5 function (PMID: 16234968). This variant disrupts the p.Arg570 amino acid residue in LRP5. Other variant(s) that disrupt this residue have been determined to be pathogenic (PMID: 15346351, 30894705). This suggests that this residue is clinically significant, and that variants that disrupt this residue are likely to be disease-causing. For these reasons, this variant has been classified as Pathogenic.

Genome Diagnostics Laboratory, The Hospital for Sick Children
Classification: Uncertain significance for Osteogenesis imperfecta. Last evaluated: 2018-08-28. Review status: criteria provided, single submitter. Criteria: ACMG Guidelines, 2015. Collection method: clinical testing. Allele origin: germline.

OMIM
Classification: Pathogenic for OSTEOPOROSIS-PSEUDOGLIOMA SYNDROME. Last evaluated: 2001-11-16. Review status: no assertion criteria provided. Collection method: literature only. Allele origin: germline. Not counted in ClinVar's aggregate classification.

Literature cited by the submitters: PubMed 11719191 (cited by Labcorp Genetics (formerly Invitae), Labcorp and OMIM); PubMed 16252235 (cited by Labcorp Genetics (formerly Invitae), Labcorp); PubMed 30452590 (cited by Labcorp Genetics (formerly Invitae), Labcorp); PubMed 30894705 (cited by Labcorp Genetics (formerly Invitae), Labcorp); PubMed 16234968 (cited by Labcorp Genetics (formerly Invitae), Labcorp); PubMed 15346351 (cited by Labcorp Genetics (formerly Invitae), Labcorp).